The following is an entry in ClinVar:

ClinVar aggregate classification (germline): Uncertain significance (1 of 4 stars; one submission).

Conditions:
Niemann-Pick disease, type C1. Also called: NEUROVISCERAL STORAGE DISEASE WITH VERTICAL SUPRANUCLEAR OPHTHALMOPLEGIA; NIEMANN-PICK DISEASE WITH CHOLESTEROL ESTERIFICATION BLOCK; NIEMANN-PICK DISEASE WITHOUT SPHINGOMYELINASE DEFICIENCY; NIEMANN-PICK DISEASE, CHRONIC NEURONOPATHIC FORM; NIEMANN-PICK DISEASE, VARIANT TYPE C1. Identifiers: Orphanet 646, MedGen C3179455, MONDO:0009757, OMIM 257220.

Allele frequency attached by ClinVar (database versions not stated): gnomAD exomes below 0.00001.

Submission:

Labcorp Genetics (formerly Invitae), Labcorp
Classification: Uncertain significance for Niemann-Pick disease, type C1. Last evaluated: 2019-05-21. Review status: criteria provided, single submitter. Criteria: Invitae Variant Classification Sherloc (09022015). Collection method: clinical testing. Allele origin: germline.
Comment: This sequence change falls in intron 17 of the NPC1 gene. It does not directly change the encoded amino acid sequence of the NPC1 protein, but it affects a nucleotide within the consensus splice site of the intron. This variant is not present in population databases (ExAC no frequency). Nucleotide substitutions within the consensus splice site are a relatively common cause of aberrant splicing (PMID: 17576681, 9536098). Algorithms developed to predict the effect of sequence changes on RNA splicing suggest that this variant is not likely to affect RNA splicing, but this prediction has not been confirmed by published transcriptional studies. In summary, the available evidence is currently insufficient to determine the role of this variant in disease. Therefore, it has been classified as a Variant of Uncertain Significance.

Literature cited by the submitters: PubMed 17576681; PubMed 9536098.

NM_000271.5(NPC1):c.2604+8_2604+71del

Gene: NPC1 (NPC intracellular cholesterol transporter 1; minus strand). Cytogenetic location: 18q11.2.
Variant type: Deletion.
Coding change: c.2604+8_2604+71del on transcript NM_000271.5 (MANE Select); bases 8 to 71 of the intron after coding-DNA position 2604, 64 bases deleted.
Molecular consequence: intron variant.
Genome position (GRCh38, 1-based): chr18:23,540,377-23,540,440, 64 bases deleted. GRCh37 (hg19): chr18:21,120,341-21,120,404.
Identifiers: ClinVar variation 850266 (VCV000850266.9), dbSNP rs2058696209, ClinGen allele CA916083638.